The following is an entry in ClinVar:

ClinVar aggregate classification (germline): Uncertain significance. Review status: criteria provided, multiple submitters, no conflicts (2 of 4 stars). 2 submissions from 2 submitters: Uncertain significance (2). Last evaluated 2022-08-10.

Conditions:
Charcot-Marie-Tooth disease dominant intermediate C (CMTDIC). Also called: CHARCOT-MARIE-TOOTH NEUROPATHY, DOMINANT INTERMEDIATE C. Identifiers: Orphanet 100045, MedGen C1842237, MONDO:0012012, OMIM 608323.

gnomAD v4.1: 1 of 1,614,148 alleles (0.000062%); highest among the groups gnomAD compares: Admixed American, 0.0017%; no homozygotes.

Submissions (2):

Labcorp Genetics (formerly Invitae), Labcorp
Classification: Uncertain significance for Charcot-Marie-Tooth disease dominant intermediate C. Last evaluated: 2022-08-10. Review status: criteria provided, single submitter. Criteria: Invitae Variant Classification Sherloc (09022015). Collection method: clinical testing. Allele origin: germline.
Comment: In summary, the available evidence is currently insufficient to determine the role of this variant in disease. Therefore, it has been classified as a Variant of Uncertain Significance. Algorithms developed to predict the effect of missense changes on protein structure and function are either unavailable or do not agree on the potential impact of this missense change (SIFT: "Not Available"; PolyPhen-2: "Benign"; Align-GVGD: "Not Available"). This variant has not been reported in the literature in individuals affected with YARS-related conditions. This variant is present in population databases (no rsID available, gnomAD 0.003%). This sequence change replaces arginine, which is basic and polar, with leucine, which is neutral and non-polar, at codon 450 of the YARS protein (p.Arg450Leu).

Blueprint Genetics
Classification: Uncertain significance. Last evaluated: 2021-09-21. Review status: criteria provided, single submitter. Criteria: ACMG Guidelines, 2015. Collection method: clinical testing. Allele origin: germline.

NM_003680.4(YARS1):c.1349G>T (p.Arg450Leu)

Gene: YARS1 (tyrosyl-tRNA synthetase 1; minus strand). Cytogenetic location: 1p35.1.
Variant type: single nucleotide variant.
Coding change: c.1349G>T on transcript NM_003680.4 (MANE Select); coding-DNA position 1349, G replaced by T.
Protein change: p.Arg450Leu; replaces arginine 450 with leucine.
Molecular consequence: missense variant.
Genome position (GRCh38, 1-based): chr1:32,779,509, C>A on the plus strand (G>T on the coding strand, the complement: YARS1 is on the minus strand). VCF-style: chr1-32779509-C-A. GRCh37 (hg19) VCF-style: chr1-33245110-C-A.
Other names: short protein forms R450L.
Identifiers: ClinVar variation 2156297 (VCV002156297.5), dbSNP rs147005844, ClinGen allele CA339680898.